The following is an entry in ClinVar:

ClinVar aggregate classification (germline): Uncertain significance (1 of 4 stars; one submission).

Submission:

GeneDx
Classification: Uncertain significance. Last evaluated: 2024-07-14. Review status: criteria provided, single submitter. Criteria: GeneDx Variant Classification Process June 2021. Collection method: clinical testing. Allele origin: germline. Affected: yes.
Comment: Not observed at significant frequency in large population cohorts (gnomAD); In silico analysis indicates that this variant does not alter splicing; Has not been previously published as pathogenic or benign to our knowledge

NM_018238.4(AGK):c.66G>A (p.Leu22=)

Gene: AGK (acylglycerol kinase; plus strand). Cytogenetic location: 7q34.
Variant type: single nucleotide variant.
Coding change: c.66G>A on transcript NM_018238.4 (MANE Select); coding-DNA position 66, G replaced by A.
Protein change: p.Leu22=; no amino-acid change (leucine 22 retained).
Molecular consequence: synonymous variant.
Genome position (GRCh38, 1-based): chr7:141,555,532, G>A. VCF-style: chr7-141555532-G-A. GRCh37 (hg19) VCF-style: chr7-141255332-G-A.
Other names: c.66G>A, p.Leu22= (NM_001364948.3).
Identifiers: ClinVar variation 3573632 (VCV003573632.1).